The following is an entry in ClinVar:

NM_201378.4(PLEC):c.71-3832G>A

Genes: PLEC (plectin; minus strand), LOC130001342 (ATAC-STARR-seq lymphoblastoid silent region 19633; plus strand). Cytogenetic location: 8q24.3.
Variant type: single nucleotide variant.
Coding change: c.71-3832G>A on transcript NM_201378.4 (MANE Plus Clinical); 3832 bases into the intron before coding-DNA position 71, G replaced by A.
Molecular consequence: intron variant. On other transcripts: 5 prime UTR variant (1).
Genome position (GRCh38, 1-based): chr8:143,942,524, C>T on the plus strand (G>A on the coding strand, the complement: PLEC is on the minus strand). VCF-style: chr8-143942524-C-T. GRCh37 (hg19) VCF-style: chr8-145016692-C-T.
Other names: c.-9G>A (NM_201383.3); c.194-3832G>A (NM_001410941.1, NM_000445.5); c.47-3832G>A (NM_201379.3); c.524-3832G>A (NM_201380.4); c.16+2124G>A (NM_201381.3); c.112+1255G>A (NM_201382.4).
Identifiers: ClinVar variation 4977671 (VCV004977671.1).

ClinVar aggregate classification (germline): Likely benign (1 of 4 stars; one submission).

Conditions:
PLEC-related disorder. Also called: PLEC-related condition; PLEC-related disorders.

gnomAD v4.1: 31 of 1,560,974 alleles (0.002%); highest among the groups gnomAD compares: East Asian, 0.056%; no homozygotes.

Submission:

PreventionGenetics, part of Exact Sciences
Classification: Likely benign for PLEC-related condition. Last evaluated: 2026-03-04. Review status: criteria provided, single submitter. Criteria: ACMG Guidelines, 2015. Collection method: clinical testing. Allele origin: germline.
Comment: This variant is classified as likely benign based on ACMG/AMP sequence variant interpretation guidelines (Richards et al. 2015 PMID: 25741868, with internal and published modifications).